The following is an entry in ClinVar:

NM_001166108.2(PALLD):c.3032C>T (p.Ser1011Leu)

Genes: CBR4 (carbonyl reductase 4; minus strand), PALLD (palladin, cytoskeletal associated protein; plus strand). Cytogenetic location: 4q32.3.
Variant type: single nucleotide variant.
Coding change: c.3032C>T on transcript NM_001166108.2 (MANE Select); coding-DNA position 3032, C replaced by T.
Protein change: p.Ser1011Leu; replaces serine 1011 with leucine.
Molecular consequence: missense variant.
Genome position (GRCh38, 1-based): chr4:168,921,715, C>T. VCF-style: chr4-168921715-C-T. GRCh37 (hg19) VCF-style: chr4-169842866-C-T.
Other names: c.1835C>T, p.Ser612Leu (NM_001166109.2); c.1520C>T, p.Ser507Leu (NM_001166110.2); c.860C>T, p.Ser287Leu (NM_001367567.1, NM_001367569.1); c.911C>T, p.Ser304Leu (NM_001367568.1, NM_001367570.1); c.2981C>T, p.Ser994Leu (NM_016081.4); short protein forms S1011L, S612L, S304L, S287L, S507L, S994L.
Identifiers: ClinVar variation 2448462 (VCV002448462.2), dbSNP rs2534196060, ClinGen allele CA358709695.
Genomic context (GRCh38, chr4:168,921,715, plus strand): 5'-TCACGTCACGTGATGCCGGCATCTACACATGTATAGCTACCAACCGAGCAGGACAGAACT[C>T]ATTCAGCCTGGAGCTTGTGGTTGCTGGTAGGCTCATCTGTGAATCCTTGCTCTCTGACAG-3'
Protein context (NP_001159580.1, residues 1001-1021): CIATNRAGQN[Ser1011Leu]FSLELVVAAK

ClinVar aggregate classification (germline): Uncertain significance (1 of 4 stars; one submission).

Allele frequency attached by ClinVar (database versions not stated): gnomAD exomes below 0.00001.
gnomAD v4.1: 1 of 1,611,594 alleles (0.000062%); highest among the groups gnomAD compares: Non-Finnish European, 0.000085%; no homozygotes.

Submission:

Ambry Genetics
Classification: Uncertain significance. Last evaluated: 2022-12-16. Review status: criteria provided, single submitter. Criteria: Ambry Variant Classification Scheme 2023. Collection method: clinical testing. Allele origin: germline.
Comment: The p.S994L variant (also known as c.2981C>T), located in coding exon 16 of the PALLD gene, results from a C to T substitution at nucleotide position 2981. The serine at codon 994 is replaced by leucine, an amino acid with dissimilar properties. This amino acid position is conserved. In addition, the in silico prediction for this alteration is inconclusive. Since supporting evidence is limited at this time, the clinical significance of this alteration remains unclear.